The following is an entry in ClinVar:

NM_001080978.4(LILRB2):c.1623A>G (p.Glu541=)

Gene: LILRB2 (leukocyte immunoglobulin like receptor B2; minus strand). Cytogenetic location: 19q13.42.
Variant type: single nucleotide variant.
Coding change: c.1623A>G on transcript NM_001080978.4 (MANE Select); coding-DNA position 1623, A replaced by G.
Protein change: p.Glu541=; no amino-acid change (glutamic acid 541 retained).
Molecular consequence: synonymous variant. On other transcripts: 3 prime UTR variant (1), non-coding transcript variant (1).
Genome position (GRCh38, 1-based): chr19:54,275,975, T>C on the plus strand (A>G on the coding strand, the complement: LILRB2 is on the minus strand). VCF-style: chr19-54275975-T-C. GRCh37 (hg19) VCF-style: chr19-54779829-T-C.
Other names: c.1623A>G, p.Glu541= (NM_001278403.3); c.1278A>G, p.Glu426= (NM_001278404.3); c.*17A>G (NM_001278405.2); c.1626A>G, p.Glu542= (NM_005874.5).
Identifiers: ClinVar variation 2650437 (VCV002650437.24), dbSNP rs201537103, ClinGen allele CA309445414.
Genomic context (GRCh38, chr19:54,275,975, plus strand): 5'-AGGCCTTTGGTGCCTGGGACAGGGGCGGGGTCTCACCCGAGTGTCCATCTCCACCCCATC[T>C]TCAGGCTGTGTGTCCTTCACGGCAGCATCTGCTGGGGCAGAGCAAGGGGTTCGTCTCTTG-3'
Protein context (NP_001074447.2, residues 531-551): LYAAVKDTQP[Glu541=]DGVEMDTRAA

ClinVar aggregate classification (germline): Likely benign (1 of 4 stars; one submission).

Submission:

CeGaT Center for Human Genetics Tuebingen
Classification: Likely benign. Last evaluated: 2023-05-01. Review status: criteria provided, single submitter. Criteria: CeGaT Center For Human Genetics Tuebingen Variant Classification Criteria Version 2. Collection method: clinical testing. Allele origin: germline. Affected: yes. Observed: 1 variant allele.
Comment: LILRB2: BP4, BP7